The following is an entry in ClinVar:

ClinVar aggregate classification (germline): Uncertain significance. Review status: criteria provided, multiple submitters, no conflicts (2 of 4 stars). 2 submissions from 2 submitters: Uncertain significance (2). Last evaluated 2025-03-03.

Conditions:
Hereditary cancer-predisposing syndrome. Also called: Tumor predisposition; Neoplastic Syndromes, Hereditary; Hereditary neoplastic syndrome; Hereditary Cancer Syndrome. Identifiers: Orphanet 140162, MedGen C0027672, MeSH D009386, MONDO:0015356.

Submissions (2):

Ambry Genetics
Classification: Uncertain significance for Hereditary cancer-predisposing syndrome. Last evaluated: 2025-03-03. Review status: criteria provided, single submitter. Criteria: Ambry Variant Classification Scheme 2023. Collection method: clinical testing. Allele origin: germline.
Comment: The p.Q145H variant (also known as c.435G>C), located in coding exon 3 of the NTHL1 gene, results from a G to C substitution at nucleotide position 435. The glutamine at codon 145 is replaced by histidine, an amino acid with highly similar properties. This amino acid position is highly conserved in available vertebrate species. In addition, the in silico prediction for this alteration is inconclusive. Since supporting evidence is limited at this time, the clinical significance of this alteration remains unclear.

Labcorp Genetics (formerly Invitae), Labcorp
Classification: Uncertain significance. Last evaluated: 2021-07-03. Review status: criteria provided, single submitter. Criteria: Invitae Variant Classification Sherloc (09022015). Collection method: clinical testing. Allele origin: germline.
Comment: This sequence change replaces glutamine with histidine at codon 145 of the NTHL1 protein (p.Gln145His). The glutamine residue is highly conserved and there is a small physicochemical difference between glutamine and histidine. This variant is not present in population databases (ExAC no frequency). This variant has not been reported in the literature in individuals affected with NTHL1-related conditions. Algorithms developed to predict the effect of missense changes on protein structure and function are either unavailable or do not agree on the potential impact of this missense change (SIFT: "Not Available"; PolyPhen-2: "Possibly Damaging"; Align-GVGD: "Not Available"). In summary, the available evidence is currently insufficient to determine the role of this variant in disease. Therefore, it has been classified as a Variant of Uncertain Significance.

NM_002528.7(NTHL1):c.411G>C (p.Gln137His)

Gene: NTHL1 (nth like DNA glycosylase 1; minus strand). Cytogenetic location: 16p13.3.
Variant type: single nucleotide variant.
Coding change: c.411G>C on transcript NM_002528.7 (MANE Select); coding-DNA position 411, G replaced by C.
Protein change: p.Gln137His; replaces glutamine 137 with histidine.
Molecular consequence: missense variant. On other transcripts: intron variant (1).
Genome position (GRCh38, 1-based): chr16:2,044,744, C>G on the plus strand (G>C on the coding strand, the complement: NTHL1 is on the minus strand). VCF-style: chr16-2044744-C-G. GRCh37 (hg19) VCF-style: chr16-2094745-C-G.
Other names: c.81G>C, p.Gln27His (NM_001318194.2); c.355-1018G>C (NM_001318193.2); short protein forms Q137H, Q27H.
Identifiers: ClinVar variation 1517398 (VCV001517398.11), dbSNP rs2150942423, ClinGen allele CA394294485.